The following is an entry in ClinVar:

ClinVar aggregate classification (germline): Uncertain significance (1 of 4 stars; one submission).

Conditions:
Bardet-Biedl syndrome (BBS). Identifiers: Orphanet 110, MedGen C0752166, MONDO:0015229.

Submission:

Labcorp Genetics (formerly Invitae), Labcorp
Classification: Uncertain significance for Bardet-Biedl syndrome. Last evaluated: 2022-04-10. Review status: criteria provided, single submitter. Criteria: Invitae Variant Classification Sherloc (09022015). Collection method: clinical testing. Allele origin: germline.
Comment: Algorithms developed to predict the effect of missense changes on protein structure and function (SIFT, PolyPhen-2, Align-GVGD) all suggest that this variant is likely to be tolerated. In summary, the available evidence is currently insufficient to determine the role of this variant in disease. Therefore, it has been classified as a Variant of Uncertain Significance. This variant has not been reported in the literature in individuals affected with BBS1-related conditions. This sequence change replaces valine, which is neutral and non-polar, with leucine, which is neutral and non-polar, at codon 247 of the BBS1 protein (p.Val247Leu). This variant is not present in population databases (gnomAD no frequency).

NM_024649.5(BBS1):c.739G>C (p.Val247Leu)

Genes: BBS1 (Bardet-Biedl syndrome 1; plus strand), ZDHHC24 (zDHHC palmitoyltransferase 24; minus strand). Cytogenetic location: 11q13.2.
Variant type: single nucleotide variant.
Coding change: c.739G>C on transcript NM_024649.5 (MANE Select); coding-DNA position 739, G replaced by C.
Protein change: p.Val247Leu; replaces valine 247 with leucine.
Molecular consequence: missense variant. On other transcripts: 3 prime UTR variant (1).
Genome position (GRCh38, 1-based): chr11:66,521,285, G>C. VCF-style: chr11-66521285-G-C. GRCh37 (hg19) VCF-style: chr11-66288756-G-C.
Other names: c.*203C>G (NM_001348571.2); short protein forms V247L.
Identifiers: ClinVar variation 2124165 (VCV002124165.4), dbSNP rs763004810, ClinGen allele CA381459252.